The following is an entry in ClinVar:

NM_001082486.2(ACD):c.490G>T (p.Ala164Ser)

Gene: ACD (ACD shelterin complex subunit and telomerase recruitment factor; minus strand). Cytogenetic location: 16q22.1.
Variant type: single nucleotide variant.
Coding change: c.490G>T on transcript NM_001082486.2 (MANE Select); coding-DNA position 490, G replaced by T.
Protein change: p.Ala164Ser; replaces alanine 164 with serine.
Molecular consequence: missense variant.
Genome position (GRCh38, 1-based): chr16:67,659,232, C>A on the plus strand (G>T on the coding strand, the complement: ACD is on the minus strand). VCF-style: chr16-67659232-C-A. GRCh37 (hg19) VCF-style: chr16-67693135-C-A.
Other names: c.490G>T, p.Ala164Ser (NM_001410884.1); c.481G>T, p.Ala161Ser (NM_022914.3); short protein forms A164S, A161S.
Identifiers: ClinVar variation 3261543 (VCV003261543.1).
Genomic context (GRCh38, chr16:67,659,232, plus strand): 5'-AAGGCTGGAGAGATCACTGCACAGCGTGTTAGGATCACTGGTCAAGCTCTACAGTACCTG[C>A]ATTGGACGAGGTGGACTCTGAAAGGTGCTCCCTACAGGAAGAGAGTGGCCAGGACTCAGG-3'
Protein context (NP_001075955.2, residues 154-174): EHLSESTSSN[Ala164Ser]GLSLSQLLDE

ClinVar aggregate classification (germline): Uncertain significance (1 of 4 stars; one submission).

Conditions:
Inborn genetic diseases. Identifiers: MedGen C0950123, MeSH D030342.

Submission:

Ambry Genetics
Classification: Uncertain significance for Inborn genetic diseases. Last evaluated: 2024-05-31. Review status: criteria provided, single submitter. Criteria: Ambry Variant Classification Scheme 2023. Collection method: clinical testing. Allele origin: germline.
Comment: The p.A250S variant (also known as c.748G>T), located in coding exon 6 of the ACD gene, results from a G to T substitution at nucleotide position 748. The alanine at codon 250 is replaced by serine, an amino acid with similar properties. This amino acid position is conserved. In addition, this alteration is predicted to be tolerated by in silico analysis. Based on the available evidence, the clinical significance of this variant remains unclear.